The following is an entry in ClinVar:

ClinVar aggregate classification (germline): Uncertain significance (1 of 4 stars; one submission).

Submission:

Women's Health and Genetics/Laboratory Corporation of America, LabCorp
Classification: Uncertain significance. Last evaluated: 2022-10-13. Review status: criteria provided, single submitter. Criteria: LabCorp Variant Classification Summary - May 2015. Collection method: clinical testing. Allele origin: germline.
Comment: Variant summary: The variant identified by MLPA or other technology involves the duplication of exons 13-16 in the DMD gene. A presumed nomenclature of c.(1482+1_1483-1)_(1992+1_1993-1)dup has been designated for the purposes of this classification. It has been assumed that this is a tandem duplication in direct orientation (Richardson_GIM_2018, Newman_AJHG_2015). Although exact breakpoints of this duplication are not known, it is expected to result in a large in-frame duplication in the DMD gene. A variant involving the duplication of exons 13-16 was found at a frequency of 0.00089 in 15814 control chromosomes, including 13 hemizygotes, in the gnomAD Structural Variants database. The observed variant frequency suggests the variant may be benign. These reports do not provide unequivocal conclusions about association of the variant with Dystrophinopathies. To our knowledge, no experimental evidence demonstrating an impact on protein function has been reported. Two submitters have provided clinical-significance assessments for this variant to ClinVar after 2014. One laboratory classified the variant as pathogenic, and one laboratory classified the variant as uncertain significance. Based on the evidence outlined above, the variant was classified as uncertain significance.

Literature cited by the submitters: PubMed 22776072; PubMed 26294044.

NC_000023.10:g.(32563452_32583818)_(32613994_32632419)dup

Gene: DMD (dystrophin; minus strand). Cytogenetic location: Xp21.1.
Variant type: Duplication.
Identifiers: ClinVar variation 992204 (VCV000992204.3).